The following is an entry in ClinVar:

ClinVar aggregate classification (germline): Uncertain significance (1 of 4 stars; one submission).

Conditions:
Houge-Janssens syndrome 3. Also called: NEURODEVELOPMENTAL DISORDER AND LANGUAGE DELAY WITH OR WITHOUT STRUCTURAL BRAIN ABNORMALITIES. Identifiers: MedGen C5193048, MONDO:0032697, OMIM 618354.

Submission:

Juno Genomics, Hangzhou Juno Genomics, Inc
Classification: Uncertain significance for Houge-Janssens syndrome 3. Review status: criteria provided, single submitter. Criteria: ACMG Guidelines, 2015. Collection method: clinical testing. Allele origin: germline. Affected: yes.
Comment: Absent from controls (or at extremely low frequency if recessive) in Genome Aggregation Database.;De novo (both maternity and paternity confirmed) in a patient with the disease and no family history.;Multiple lines of computational evidence support a deleterious effect on the gene or gene product.;Missense variant in a gene that has a low rate of benign missense variation.

NM_002715.4(PPP2CA):c.649G>C (p.Gly217Arg)

Gene: PPP2CA (protein phosphatase 2 catalytic subunit alpha; minus strand). Cytogenetic location: 5q31.1.
Variant type: single nucleotide variant.
Coding change: c.649G>C on transcript NM_002715.4 (MANE Select); coding-DNA position 649, G replaced by C.
Protein change: p.Gly217Arg; replaces glycine 217 with arginine.
Molecular consequence: missense variant. On other transcripts: non-coding transcript variant (1).
Genome position (GRCh38, 1-based): chr5:134,200,424, C>G on the plus strand (G>C on the coding strand, the complement: PPP2CA is on the minus strand). VCF-style: chr5-134200424-C-G. GRCh37 (hg19) VCF-style: chr5-133536115-C-G.
Other names: c.454G>C, p.Gly152Arg (NM_001355019.2); short protein forms G152R, G217R.
Identifiers: ClinVar variation 5019728 (VCV005019728.1).